The following is an entry in ClinVar:

ClinVar aggregate classification (germline): Benign/Likely benign. Review status: criteria provided, multiple submitters, no conflicts (2 of 4 stars). 4 submissions from 4 submitters: Benign (1); Likely benign (3). Last evaluated 2024-08-05.

Conditions:
Juvenile polyposis syndrome (JPS). Identifiers: Orphanet 2929, MedGen C0345893, MONDO:0017380, OMIM 174900.
Hereditary cancer-predisposing syndrome. Also called: Neoplastic Syndromes, Hereditary; Tumor predisposition; Hereditary Cancer Syndrome; Hereditary neoplastic syndrome. Identifiers: Orphanet 140162, MedGen C0027672, MeSH D009386, MONDO:0015356.

Submissions (4):

Myriad Genetics, Inc.
Classification: Benign for Juvenile polyposis syndrome. Last evaluated: 2024-08-05. Review status: criteria provided, single submitter. Criteria: Myriad Autosomal Dominant, Autosomal Recessive and X-Linked Classification Criteria (2023). Collection method: clinical testing. Allele origin: unknown.
Comment: This variant is considered benign. This variant is a silent/synonymous amino acid change and it is not expected to impact splicing.

Labcorp Genetics (formerly Invitae), Labcorp
Classification: Likely benign for Juvenile polyposis syndrome. Last evaluated: 2024-04-24. Review status: criteria provided, single submitter. Criteria: Invitae Variant Classification Sherloc (09022015). Collection method: clinical testing. Allele origin: germline.

Sema4
Classification: Likely benign for Hereditary cancer-predisposing syndrome. Last evaluated: 2021-11-30. Review status: criteria provided, single submitter. Criteria: Sema4 Curation Guidelines. Collection method: curation. Allele origin: germline.

Ambry Genetics
Classification: Likely benign for Hereditary cancer-predisposing syndrome. Last evaluated: 2020-12-25. Review status: criteria provided, single submitter. Criteria: Ambry Variant Classification Scheme 2023. Collection method: clinical testing. Allele origin: germline.

NM_004329.3(BMPR1A):c.888T>C (p.Ile296=)

Gene: BMPR1A (bone morphogenetic protein receptor type 1A; plus strand). Cytogenetic location: 10q23.2.
Variant type: single nucleotide variant.
Coding change: c.888T>C on transcript NM_004329.3 (MANE Select); coding-DNA position 888, T replaced by C.
Protein change: p.Ile296=; no amino-acid change (isoleucine 296 retained).
Molecular consequence: synonymous variant.
Genome position (GRCh38, 1-based): chr10:86,919,191, T>C. VCF-style: chr10-86919191-T-C. GRCh37 (hg19) VCF-style: chr10-88678948-T-C.
Identifiers: ClinVar variation 1567881 (VCV001567881.12), dbSNP rs2133589202, ClinGen allele CA470367842.